The following is an entry in ClinVar:

NM_139318.5(KCNH5):c.1577C>T (p.Ser526Phe)

Gene: KCNH5 (potassium voltage-gated channel subfamily H member 5; minus strand). Cytogenetic location: 14q23.2.
Variant type: single nucleotide variant.
Coding change: c.1577C>T on transcript NM_139318.5 (MANE Select); coding-DNA position 1577, C replaced by T.
Protein change: p.Ser526Phe; replaces serine 526 with phenylalanine.
Molecular consequence: missense variant.
Genome position (GRCh38, 1-based): chr14:62,802,574, G>A on the plus strand (C>T on the coding strand, the complement: KCNH5 is on the minus strand). VCF-style: chr14-62802574-G-A. GRCh37 (hg19) VCF-style: chr14-63269292-G-A.
Other names: c.1577C>T, p.Ser526Phe (NM_172375.3); short protein forms S526F.
Identifiers: ClinVar variation 1425770 (VCV001425770.7), dbSNP rs2140000246, ClinGen allele CA390102087.

ClinVar aggregate classification (germline): Uncertain significance (1 of 4 stars; one submission).

Conditions:
Early-infantile DEE. Also called: Ohtahara syndrome; Early infantile epileptic encephalopathy with suppression bursts; Early infantile epileptic encephalopathy. Identifiers: Orphanet 1934, MedGen C0393706, MONDO:0800491.

Submission:

Labcorp Genetics (formerly Invitae), Labcorp
Classification: Uncertain significance for Early-infantile DEE. Last evaluated: 2022-09-13. Review status: criteria provided, single submitter. Criteria: Invitae Variant Classification Sherloc (09022015). Collection method: clinical testing. Allele origin: germline.
Comment: This sequence change replaces serine, which is neutral and polar, with phenylalanine, which is neutral and non-polar, at codon 526 of the KCNH5 protein (p.Ser526Phe). This variant is not present in population databases (gnomAD no frequency). This variant has not been reported in the literature in individuals affected with KCNH5-related conditions. ClinVar contains an entry for this variant (Variation ID: 1425770). Advanced modeling of protein sequence and biophysical properties (such as structural, functional, and spatial information, amino acid conservation, physicochemical variation, residue mobility, and thermodynamic stability) performed at Invitae indicates that this missense variant is not expected to disrupt KCNH5 protein function. In summary, the available evidence is currently insufficient to determine the role of this variant in disease. Therefore, it has been classified as a Variant of Uncertain Significance.